The following is an entry in ClinVar:

NM_199355.4(ADAMTS18):c.739A>G (p.Arg247Gly)

Gene: ADAMTS18 (ADAM metallopeptidase with thrombospondin type 1 motif 18; minus strand). Cytogenetic location: 16q23.1.
Variant type: single nucleotide variant.
Coding change: c.739A>G on transcript NM_199355.4 (MANE Select); coding-DNA position 739, A replaced by G.
Protein change: p.Arg247Gly; replaces arginine 247 with glycine.
Molecular consequence: missense variant. On other transcripts: synonymous variant (1).
Genome position (GRCh38, 1-based): chr16:77,367,480, T>C on the plus strand (A>G on the coding strand, the complement: ADAMTS18 is on the minus strand). VCF-style: chr16-77367480-T-C. GRCh37 (hg19) VCF-style: chr16-77401377-T-C.
Other names: c.739A>G (NM_199355.2); c.219A>G, p.Glu73= (NM_001326358.2); short protein forms R247G.
Identifiers: ClinVar variation 1047108 (VCV001047108.8), dbSNP rs142336246, ClinGen allele CA8181576.

ClinVar aggregate classification (germline): Conflicting classifications of pathogenicity. Review status: criteria provided, conflicting classifications (1 of 4 stars). 3 submissions from 3 submitters: Uncertain significance (2); Likely benign (1). Last evaluated 2025-02-22.

Conditions:
Inborn genetic diseases. Identifiers: MedGen C0950123, MeSH D030342.

Allele frequency attached by ClinVar (database versions not stated): gnomAD exomes 0.00001 and 0.00004; ExAC 0.00005; TOPMed 0.00006; ESP Exome Variant Server 0.00008; gnomAD 0.00008 and 0.00009; 1000 Genomes Project 30x 0.00031; 1000 Genomes Project 0.00040.
gnomAD v4.1: 26 of 1,614,168 alleles (0.0016%); highest among the groups gnomAD compares: African/African-American, 0.025%; no homozygotes.

Submissions (3):

Labcorp Genetics (formerly Invitae), Labcorp
Classification: Uncertain significance. Last evaluated: 2025-02-22. Review status: criteria provided, single submitter. Criteria: Invitae Variant Classification Sherloc (09022015). Collection method: clinical testing. Allele origin: germline.
Comment: This sequence change replaces arginine, which is basic and polar, with glycine, which is neutral and non-polar, at codon 247 of the ADAMTS18 protein (p.Arg247Gly). This variant is present in population databases (rs142336246, gnomAD 0.03%). This variant has not been reported in the literature in individuals affected with ADAMTS18-related conditions. ClinVar contains an entry for this variant (Variation ID: 1047108). An algorithm developed to predict the effect of missense changes on protein structure and function (PolyPhen-2) suggests that this variant is likely to be tolerated. In summary, the available evidence is currently insufficient to determine the role of this variant in disease. Therefore, it has been classified as a Variant of Uncertain Significance.

Ambry Genetics
Classification: Uncertain significance for Inborn genetic diseases. Last evaluated: 2025-02-11. Review status: criteria provided, single submitter. Criteria: Ambry Variant Classification Scheme 2023. Collection method: clinical testing. Allele origin: germline.

Blueprint Genetics
Classification: Likely benign. Last evaluated: 2024-07-19. Review status: criteria provided, single submitter. Criteria: ACMG Guidelines, 2015. Collection method: clinical testing. Allele origin: germline.